The following is an entry in ClinVar:

ClinVar aggregate classification (germline): Uncertain significance (1 of 4 stars; one submission).

Conditions:
Koolen-de Vries syndrome (KDVS). Identifiers: Orphanet 96169, MedGen C1864871, MONDO:0012496, OMIM 610443.

Submission:

Dasa
Classification: Uncertain significance for Koolen-de Vries syndrome. Last evaluated: 2024-02-26. Review status: criteria provided, single submitter. Criteria: DASA Assertion Criteria. Collection method: clinical testing. Allele origin: germline.
Comment: NM_015443.4(KANSL1):c.2805_2807del (p.Thr936del) is an in-frame deletion predicted to remove threonine at protein position 936 without shifting the reading frame. This variant is rare in population databases. The currently available literature and clinical evidence are not sufficient to establish a definitive association between this variant and the reported condition. Therefore, this variant is classified as a variant of uncertain significance.

NM_015443.4(KANSL1):c.2805_2807del (p.Thr936del)

Gene: KANSL1 (KAT8 regulatory NSL complex subunit 1). Cytogenetic location: 17q21.31.
Variant type: Deletion.
Coding change: c.2805_2807del on transcript NM_015443.4 (MANE Select); coding-DNA positions 2805 to 2807, 3 bases deleted.
Protein change: p.Thr936del; deletes threonine 936.
Molecular consequence: inframe deletion.
Genome position: GRCh38 VCF-style: chr17-46033109-CGTG-C. GRCh37 (hg19) VCF-style: chr17-44110475-CGTG-C.
Other names: c.2802_2804del, p.Thr935del (NM_001193465.2, NM_001405856.1, NM_001405857.1 and 1 more transcripts); c.2805_2807del, p.Thr936del (NM_001193466.2, NM_001379198.1, NM_001405854.1 and 4 more transcripts); c.2703_2705del, p.Thr902del (NM_001405859.1, NM_001405860.1); c.2700_2702del, p.Thr901del (NM_001405861.1, NM_001405881.1); c.2616_2618del, p.Thr873del (NM_001405875.1, NM_001405876.1, NM_001405877.1 and 1 more transcripts); c.2613_2615del, p.Thr872del (NM_001405879.1, NM_001405880.1); c.1539_1541del, p.Thr514del (NM_001405882.1); c.1536_1538del, p.Thr513del (NM_001405883.1); and 2 more; short protein forms T450del, T451del, T513del, T514del, T872del, T873del, T901del, T902del.
Identifiers: ClinVar variation 4884054 (VCV004884054.2).